The following is an entry in ClinVar:

ClinVar aggregate classification (germline): Uncertain significance (1 of 4 stars; one submission).

gnomAD v4.1: 1 of 1,613,968 alleles (0.000062%); highest among the groups gnomAD compares: Non-Finnish European, 0.000085%; no homozygotes.

Submission:

Labcorp Genetics (formerly Invitae), Labcorp
Classification: Uncertain significance. Last evaluated: 2025-03-19. Review status: criteria provided, single submitter. Criteria: Invitae Variant Classification Sherloc (09022015). Collection method: clinical testing. Allele origin: germline.
Comment: This sequence change replaces arginine, which is basic and polar, with lysine, which is basic and polar, at codon 588 of the COL11A1 protein (p.Arg588Lys). This variant is not present in population databases (gnomAD no frequency). This variant has not been reported in the literature in individuals affected with COL11A1-related conditions. Invitae Evidence Modeling of protein sequence and biophysical properties (such as structural, functional, and spatial information, amino acid conservation, physicochemical variation, residue mobility, and thermodynamic stability) indicates that this missense variant is expected to disrupt COL11A1 protein function with a positive predictive value of 80%. In summary, the available evidence is currently insufficient to determine the role of this variant in disease. Therefore, it has been classified as a Variant of Uncertain Significance.

NM_001854.4(COL11A1):c.1763G>A (p.Arg588Lys)

Gene: COL11A1 (collagen type XI alpha 1 chain; minus strand). Cytogenetic location: 1p21.1.
Variant type: single nucleotide variant.
Coding change: c.1763G>A on transcript NM_001854.4 (MANE Select); coding-DNA position 1763, G replaced by A.
Protein change: p.Arg588Lys; replaces arginine 588 with lysine.
Molecular consequence: missense variant. On other transcripts: non-coding transcript variant (1).
Genome position (GRCh38, 1-based): chr1:103,006,096, C>T on the plus strand (G>A on the coding strand, the complement: COL11A1 is on the minus strand). VCF-style: chr1-103006096-C-T. GRCh37 (hg19) VCF-style: chr1-103471652-C-T.
Other names: c.1646G>A, p.Arg549Lys (NM_001190709.2); c.1799G>A, p.Arg600Lys (NM_080629.3); c.1415G>A, p.Arg472Lys (NM_080630.4); short protein forms R472K, R549K, R588K, R600K.
Identifiers: ClinVar variation 4797708 (VCV004797708.1).